The following is an entry in ClinVar:

ClinVar aggregate classification (germline): Uncertain significance (1 of 4 stars; one submission).

Conditions:
Epidermolysis bullosa simplex 3, localized or generalized intermediate, with BP230 deficiency (EBS3). Also called: Epidermolysis bullosa simplex due to BP230 deficiency; Epidermolysis bullosa simplex, autosomal recessive 2. Identifiers: Orphanet 412181, MedGen C3809470, MONDO:0014180, OMIM 615425.
Hereditary sensory and autonomic neuropathy type 6. Also called: Neuropathy, hereditary sensory and autonomic, type VI; HSAN VI. Identifiers: Orphanet 314381, MedGen C3539003, MONDO:0013839, OMIM 614653.

Submission:

Labcorp Genetics (formerly Invitae), Labcorp
Classification: Uncertain significance for Epidermolysis bullosa simplex 3, localized or generalized intermediate, with BP230 deficiency; Hereditary sensory and autonomic neuropathy type 6. Last evaluated: 2024-11-30. Review status: criteria provided, single submitter. Criteria: Invitae Variant Classification Sherloc (09022015). Collection method: clinical testing. Allele origin: germline.
Comment: This sequence change replaces asparagine, which is neutral and polar, with aspartic acid, which is acidic and polar, at codon 825 of the DST protein (p.Asn825Asp). This variant is not present in population databases (gnomAD no frequency). This variant has not been reported in the literature in individuals affected with DST-related conditions. An algorithm developed to predict the effect of missense changes on protein structure and function (PolyPhen-2) suggests that this variant is likely to be tolerated. In summary, the available evidence is currently insufficient to determine the role of this variant in disease. Therefore, it has been classified as a Variant of Uncertain Significance.

NM_001374736.1(DST):c.4084A>G (p.Asn1362Asp)

Gene: DST (dystonin; minus strand). Cytogenetic location: 6p12.1.
Variant type: single nucleotide variant.
Coding change: c.4084A>G on transcript NM_001374736.1 (MANE Select); coding-DNA position 4084, A replaced by G.
Protein change: p.Asn1362Asp; replaces asparagine 1362 with aspartic acid.
Molecular consequence: missense variant.
Genome position (GRCh38, 1-based): chr6:56,631,269, T>C on the plus strand (A>G on the coding strand, the complement: DST is on the minus strand). VCF-style: chr6-56631269-T-C. GRCh37 (hg19) VCF-style: chr6-56496067-T-C.
Other names: c.3985A>G, p.Asn1329Asp (NM_001144769.5); c.3571A>G, p.Asn1191Asp (NM_001144770.2); c.4084A>G, p.Asn1362Asp (NM_001374722.1); c.3451A>G, p.Asn1151Asp (NM_001374729.1, NM_001374730.1, NM_001386100.1 and 1 more transcripts); c.4111A>G, p.Asn1371Asp (NM_001374734.1); c.2473A>G, p.Asn825Asp (NM_001723.7, NM_015548.5); short protein forms N1151D, N1191D, N1329D, N1362D, N1371D, N825D.
Identifiers: ClinVar variation 3761026 (VCV003761026.2).